The following is an entry in ClinVar:

ClinVar aggregate classification (germline): Uncertain significance (1 of 4 stars; one submission).

Conditions:
Hereditary cancer-predisposing syndrome. Also called: Neoplastic Syndromes, Hereditary; Tumor predisposition; Hereditary neoplastic syndrome; Hereditary Cancer Syndrome. Identifiers: Orphanet 140162, MedGen C0027672, MeSH D009386, MONDO:0015356.

Submission:

Ambry Genetics
Classification: Uncertain significance for Hereditary cancer-predisposing syndrome. Last evaluated: 2026-06-28. Review status: criteria provided, single submitter. Criteria: Ambry Variant Classification Scheme 2023. Collection method: clinical testing. Allele origin: germline.
Comment: The p.E575G variant (also known as c.1724A>G), located in coding exon 11 of the NBN gene, results from an A to G substitution at nucleotide position 1724. The glutamic acid at codon 575 is replaced by glycine, an amino acid with similar properties. This amino acid position is conserved. In addition, this alteration is predicted to be tolerated by in silico analysis. Based on the available evidence, the clinical significance of this variant remains unclear.

NM_002485.5(NBN):c.1724A>G (p.Glu575Gly)

Gene: NBN (nibrin; minus strand). Cytogenetic location: 8q21.3.
Variant type: single nucleotide variant.
Coding change: c.1724A>G on transcript NM_002485.5 (MANE Select); coding-DNA position 1724, A replaced by G.
Protein change: p.Glu575Gly; replaces glutamic acid 575 with glycine.
Molecular consequence: missense variant.
Genome position (GRCh38, 1-based): chr8:89,953,365, T>C on the plus strand (A>G on the coding strand, the complement: NBN is on the minus strand). VCF-style: chr8-89953365-T-C. GRCh37 (hg19) VCF-style: chr8-90965593-T-C.
Other names: c.1478A>G, p.Glu493Gly (NM_001024688.3, NM_001440379.1, NM_001440380.1); short protein forms E493G, E575G.
Identifiers: ClinVar variation 5025367 (VCV005025367.1).